The following is an entry in ClinVar:

ClinVar aggregate classification (germline): Uncertain significance (1 of 4 stars; one submission).

Allele frequency attached by ClinVar (database versions not stated): gnomAD exomes below 0.00001.
gnomAD v4.1: 1 of 1,595,372 alleles (0.000063%); highest among the groups gnomAD compares: African/African-American, 0.0013%; no homozygotes.

Submission:

CeGaT Center for Human Genetics Tuebingen
Classification: Uncertain significance. Last evaluated: 2023-06-01. Review status: criteria provided, single submitter. Criteria: CeGaT Center For Human Genetics Tuebingen Variant Classification Criteria Version 2. Collection method: clinical testing. Allele origin: germline. Affected: yes. Observed: 1 variant allele.
Comment: PKD1: PM2, BP4

NM_001009944.3(PKD1):c.360-7C>G

Gene: PKD1 (polycystin 1, transient receptor potential channel interacting; minus strand). Cytogenetic location: 16p13.3.
Variant type: single nucleotide variant.
Coding change: c.360-7C>G on transcript NM_001009944.3 (MANE Select); 7 bases into the intron before coding-DNA position 360, C replaced by G.
Molecular consequence: intron variant.
Genome position (GRCh38, 1-based): chr16:2,118,852, G>C on the plus strand (C>G on the coding strand, the complement: PKD1 is on the minus strand). VCF-style: chr16-2118852-G-C. GRCh37 (hg19) VCF-style: chr16-2168853-G-C.
Other names: c.360-7C>G (NM_000296.4).
Identifiers: ClinVar variation 2578758 (VCV002578758.25), dbSNP rs2544883399, ClinGen allele CA2580617984.